The following is an entry in ClinVar:

NM_020297.4(ABCC9):c.1166C>A (p.Ala389Asp)

Gene: ABCC9 (ATP binding cassette subfamily C member 9; minus strand). Cytogenetic location: 12p12.1.
Variant type: single nucleotide variant.
Coding change: c.1166C>A on transcript NM_020297.4 (MANE Select); coding-DNA position 1166, C replaced by A.
Protein change: p.Ala389Asp; replaces alanine 389 with aspartic acid.
Molecular consequence: missense variant.
Genome position (GRCh38, 1-based): chr12:21,910,311, G>T on the plus strand (C>A on the coding strand, the complement: ABCC9 is on the minus strand). VCF-style: chr12-21910311-G-T. GRCh37 (hg19) VCF-style: chr12-22063245-G-T.
Other names: c.1166C>A, p.Ala389Asp (NM_001377273.1, NM_005691.4); c.302C>A, p.Ala101Asp (NM_001377274.1); short protein forms A101D, A389D.
Identifiers: ClinVar variation 4730135 (VCV004730135.1).

ClinVar aggregate classification (germline): Uncertain significance (1 of 4 stars; one submission).

Conditions:
Dilated cardiomyopathy 1O (CMD1O). Also called: CARDIOMYOPATHY, DILATED, WITH VENTRICULAR TACHYCARDIA. Identifiers: Orphanet 154, MedGen C1837839, MONDO:0012062, OMIM 608569.

Submission:

Labcorp Genetics (formerly Invitae), Labcorp
Classification: Uncertain significance for Dilated cardiomyopathy 1O. Last evaluated: 2025-10-29. Review status: criteria provided, single submitter. Criteria: Invitae Variant Classification Sherloc (09022015). Collection method: clinical testing. Allele origin: germline.
Comment: This sequence change replaces alanine, which is neutral and non-polar, with aspartic acid, which is acidic and polar, at codon 389 of the ABCC9 protein (p.Ala389Asp). This variant is not present in population databases (gnomAD no frequency). This variant has not been reported in the literature in individuals affected with ABCC9-related conditions. An algorithm developed to predict the effect of missense changes on protein structure and function (PolyPhen-2) suggests that this variant is likely to be disruptive. In summary, the available evidence is currently insufficient to determine the role of this variant in disease. Therefore, it has been classified as a Variant of Uncertain Significance.